The following is an entry in ClinVar:

ClinVar aggregate classification (germline): Benign (1 of 4 stars; one submission).

Allele frequency attached by ClinVar (database versions not stated): 1000 Genomes Project 0.48043; 1000 Genomes Project 30x 0.48563; TOPMed 0.50676; gnomAD 0.52634.
gnomAD v4.1: 78,743 of 152,086 alleles (52%); highest among the groups gnomAD compares: Middle Eastern, 61%; 20,842 homozygotes.

Submission:

GeneDx
Classification: Benign. Last evaluated: 2018-06-14. Review status: criteria provided, single submitter. Criteria: GeneDx Variant Classification (06012015). Collection method: clinical testing. Allele origin: germline. Affected: yes.
Comment: This variant is considered likely benign or benign based on one or more of the following criteria: it is a conservative change, it occurs at a poorly conserved position in the protein, it is predicted to be benign by multiple in silico algorithms, and/or has population frequency not consistent with disease.

NM_000053.4(ATP7B):c.4022-329C>T

Gene: ATP7B (ATPase copper transporting beta; minus strand). Cytogenetic location: 13q14.3.
Variant type: single nucleotide variant.
Coding change: c.4022-329C>T on transcript NM_000053.4 (MANE Select); 329 bases into the intron before coding-DNA position 4022, C replaced by T.
Molecular consequence: intron variant.
Genome position (GRCh38, 1-based): chr13:51,936,024, G>A on the plus strand (C>T on the coding strand, the complement: ATP7B is on the minus strand). VCF-style: chr13-51936024-G-A. GRCh37 (hg19) VCF-style: chr13-52510160-G-A.
Other names: c.3689-329C>T (NM_001243182.2); c.3401-329C>T (NM_001005918.3); c.3770-329C>T (NM_001330579.2); c.3788-329C>T (NM_001330578.2).
Identifiers: ClinVar variation 680486 (VCV000680486.1), dbSNP rs2282058, ClinGen allele CA13789252.